The following is an entry in ClinVar:

NM_017909.4(RMND1):c.-28C>T

Gene: RMND1 (required for meiotic nuclear division 1 homolog; minus strand). Cytogenetic location: 6q25.1.
Variant type: single nucleotide variant.
Coding change: c.-28C>T on transcript NM_017909.4 (MANE Select); 28 bases upstream of the start codon, C replaced by T.
Molecular consequence: 5 prime UTR variant.
Genome position (GRCh38, 1-based): chr6:151,452,029, G>A on the plus strand (C>T on the coding strand, the complement: RMND1 is on the minus strand). VCF-style: chr6-151452029-G-A. GRCh37 (hg19) VCF-style: chr6-151773164-G-A.
Other names: c.-20C>T (NM_001271937.2).
Identifiers: ClinVar variation 138916 (VCV000138916.1), dbSNP rs3736175, ClinGen allele CA293087.

ClinVar aggregate classification (germline): Benign (1 of 4 stars; one submission).

Allele frequency attached by ClinVar (database versions not stated): gnomAD exomes 0.08857; gnomAD 0.09890 and 0.10077; 1000 Genomes Project 0.10104; TOPMed 0.10764.
gnomAD v4.1: 16,073 of 160,132 alleles (10%); highest among the groups gnomAD compares: East Asian, 20%; 1,037 homozygotes.

Submission:

GeneDx
Classification: Benign. Last evaluated: 2013-10-25. Review status: criteria provided, single submitter. Criteria: GeneDx Variant Classification (06012015). Collection method: clinical testing. Allele origin: germline. Affected: yes.
Comment: This variant is considered likely benign or benign based on one or more of the following criteria: it is a conservative change, it occurs at a poorly conserved position in the protein, it is predicted to be benign by multiple in silico algorithms, and/or has population frequency not consistent with disease.